The following is an entry in ClinVar:

NM_020937.4(FANCM):c.2809C>T (p.Leu937Phe)

Gene: FANCM (FA complementation group M; plus strand). Cytogenetic location: 14q21.2.
Variant type: single nucleotide variant.
Coding change: c.2809C>T on transcript NM_020937.4 (MANE Select); coding-DNA position 2809, C replaced by T.
Protein change: p.Leu937Phe; replaces leucine 937 with phenylalanine.
Molecular consequence: missense variant.
Genome position (GRCh38, 1-based): chr14:45,175,563, C>T. VCF-style: chr14-45175563-C-T. GRCh37 (hg19) VCF-style: chr14-45644766-C-T.
Other names: c.2809C>T (LRG_502t1); c.2731C>T, p.Leu911Phe (NM_001308133.2); short protein forms L911F, L937F.
Identifiers: ClinVar variation 665106 (VCV000665106.18), dbSNP rs138274490, ClinGen allele CA7169413.

ClinVar aggregate classification (germline): Conflicting classifications of pathogenicity. Review status: criteria provided, conflicting classifications (1 of 4 stars). 8 submissions from 8 submitters: Uncertain significance (6); Likely benign (2). Last evaluated 2024-11-24.

Conditions:
FANCM-related disorder. Also called: FANCM-related condition.
Spermatogenic failure 28. Identifiers: MedGen C4748117, MONDO:0054732, OMIM 618086.
Premature ovarian failure 15. Identifiers: MedGen C4748170, MONDO:0054862, OMIM 618096.
Inborn genetic diseases. Identifiers: MedGen C0950123, MeSH D030342.
Fanconi anemia (FA). Also called: Fanconi's anemia. Identifiers: Orphanet 84, MedGen C0015625, MeSH D005199, MONDO:0019391.

Allele frequency attached by ClinVar (database versions not stated): gnomAD exomes 0.00004; ExAC 0.00008; 1000 Genomes Project 30x 0.00016; gnomAD 0.00017; 1000 Genomes Project 0.00020; TOPMed 0.00021; ESP Exome Variant Server 0.00046.
gnomAD v4.1: 55 of 1,613,358 alleles (0.0034%); highest among the groups gnomAD compares: African/African-American, 0.065%; no homozygotes.

Submissions (8):

Ambry Genetics
Classification: Likely benign for Inborn genetic diseases. Last evaluated: 2024-11-24. Review status: criteria provided, single submitter. Criteria: Ambry Variant Classification Scheme 2023. Collection method: clinical testing. Allele origin: germline.

Blueprint Genetics
Classification: Likely benign. Last evaluated: 2024-06-20. Review status: criteria provided, single submitter. Criteria: ACMG Guidelines, 2015. Collection method: clinical testing. Allele origin: germline.

Labcorp Genetics (formerly Invitae), Labcorp
Classification: Uncertain significance for Fanconi anemia. Last evaluated: 2023-12-28. Review status: criteria provided, single submitter. Criteria: Invitae Variant Classification Sherloc (09022015). Collection method: clinical testing. Allele origin: germline.
Comment: This sequence change replaces leucine, which is neutral and non-polar, with phenylalanine, which is neutral and non-polar, at codon 937 of the FANCM protein (p.Leu937Phe). This variant is present in population databases (rs138274490, gnomAD 0.08%). This variant has not been reported in the literature in individuals affected with FANCM-related conditions. ClinVar contains an entry for this variant (Variation ID: 665106). Algorithms developed to predict the effect of missense changes on protein structure and function output the following: SIFT: "Not Available"; PolyPhen-2: "Benign"; Align-GVGD: "Not Available". The phenylalanine amino acid residue is found in multiple mammalian species, which suggests that this missense change does not adversely affect protein function. In summary, the available evidence is currently insufficient to determine the role of this variant in disease. Therefore, it has been classified as a Variant of Uncertain Significance.

GeneDx
Classification: Uncertain significance. Last evaluated: 2023-12-21. Review status: criteria provided, single submitter. Criteria: GeneDx Variant Classification Process June 2021. Collection method: clinical testing. Allele origin: germline. Affected: yes.
Comment: In silico analysis supports that this missense variant does not alter protein structure/function; Has not been previously published as pathogenic or benign to our knowledge

Quest Diagnostics Nichols Institute San Juan Capistrano
Classification: Uncertain significance. Last evaluated: 2023-11-28. Review status: criteria provided, single submitter. Criteria: Quest Diagnostics criteria. Collection method: clinical testing. Allele origin: unknown.
Comment: The FANCM c.2809C>T (p.Leu937Phe) variant has not been reported as a germline variant in the published literature. The frequency of this variant in the general population, 0.00077 (19/24618 chromosomes in African/African American subpopulation (Genome Aggregation Database)), is higher than would generally be expected for pathogenic variants in this gene. Analysis of this variant using bioinformatics tools for the prediction of the effect of amino acid changes on protein structure and function yielded predictions that this variant is benign. Based on the available information, we are unable to determine the clinical significance of this variant.

PreventionGenetics, part of Exact Sciences
Classification: Uncertain significance for FANCM-related condition. Last evaluated: 2023-04-20. Review status: criteria provided, single submitter. Criteria: ACMG Guidelines, 2015. Collection method: clinical testing. Allele origin: germline.
Comment: The FANCM c.2809C>T variant is predicted to result in the amino acid substitution p.Leu937Phe. To our knowledge, this variant has not been reported in the literature. This variant is reported in 0.077% of alleles in individuals of African descent in gnomAD, which is more common than expected for a primary cause of disease. Although we suspect that this variant may be benign, at this time, the clinical significance of this variant is uncertain due to the absence of conclusive functional and genetic evidence.

Fulgent Genetics
Classification: Uncertain significance for Spermatogenic failure 28; Premature ovarian failure 15. Last evaluated: 2022-02-03. Review status: criteria provided, single submitter. Criteria: ACMG Guidelines, 2015. Collection method: clinical testing. Allele origin: unknown.

Baylor Genetics
Classification: Uncertain significance for Spermatogenic failure 28. Last evaluated: 2020-01-22. Review status: criteria provided, single submitter. Criteria: ACMG Guidelines, 2015. Collection method: clinical testing. Allele origin: unknown. Affected: yes. Study: CSER-TexasKidsCanSeq.
Comment: This variant was determined to be of uncertain significance according to ACMG Guidelines, 2015 [PMID:25741868].

Literature cited by the submitters: PubMed 29338072 (cited by Quest Diagnostics Nichols Institute San Juan Capistrano).